The following is an entry in ClinVar:

NM_000038.6(APC):c.-18-4623A>C

Gene: APC (APC regulator of WNT signaling pathway; plus strand). Cytogenetic location: 5q22.2.
Variant type: single nucleotide variant.
Coding change: c.-18-4623A>C on transcript NM_000038.6 (MANE Select); 4623 bases into the intron before 18 bases upstream of the start codon, A replaced by C.
Molecular consequence: intron variant.
Genome position (GRCh38, 1-based): chr5:112,750,250, A>C. VCF-style: chr5-112750250-A-C. GRCh37 (hg19) VCF-style: chr5-112085947-A-C.
Other names: c.-18-4623A>C (NM_001354895.2, NM_001127510.3, NM_001354896.2 and 2 more transcripts); c.166-16076A>C (NM_001354897.2, NM_001354902.2, NM_001127511.3); c.60+11790A>C (NM_001354898.2, NM_001354904.2); c.-1053-4623A>C (NM_001354906.2); c.-43+12325A>C (NM_001354900.2, NM_001354901.2, NM_001354905.2).
Identifiers: ClinVar variation 82360 (VCV000082360.2), dbSNP rs75276466, ClinGen allele CA006085.

ClinVar aggregate classification (germline): other (0 of 4 stars; one submission).

Conditions:
Familial colorectal cancer. Identifiers: MedGen CN280943, MONDO:0023113. Disease mechanism: loss of function.

Submission:

Systems Biology Platform Zhejiang California International NanoSystems Institute
Classification: other for Familial colorectal cancer. Review status: no assertion criteria provided. Collection method: not provided. Allele origin: unknown.
ClinVar note: Converted during submission from cancer to other.